The following is an entry in ClinVar:

NM_005956.4(MTHFD1):c.1420-8_1420-4del

Gene: MTHFD1 (methylenetetrahydrofolate dehydrogenase, cyclohydrolase and formyltetrahydrofolate synthetase 1; plus strand). Cytogenetic location: 14q23.3.
Variant type: Microsatellite.
Coding change: c.1420-8_1420-4del on transcript NM_005956.4 (MANE Select); 8 bases into the intron before coding-DNA position 1420 through 4 bases into the intron before coding-DNA position 1420, 5 bases deleted (TCTTT; older notation c.1420-8_1420-4delTCTTT).
Molecular consequence: intron variant.
Genome position (GRCh38, 1-based): chr14:64,431,779-64,431,783, TCTTT deleted; deleting any 5 consecutive bases within chr14:64,431,772-64,431,783 gives the same sequence; the c. name uses the placement nearest the transcript's 3' end. VCF-style (leftmost placement, unchanged base first): chr14-64431771-CTTTCT-C. GRCh37 (hg19) VCF-style: chr14-64898489-CTTTCT-C.
Other names: c.1420-8_1420-4del (NM_001364837.1).
Identifiers: ClinVar variation 1917665 (VCV001917665.4), dbSNP rs776814412, ClinGen allele CA7226248.

ClinVar aggregate classification (germline): Uncertain significance (1 of 4 stars; one submission).

Submission:

Labcorp Genetics (formerly Invitae), Labcorp
Classification: Uncertain significance. Last evaluated: 2024-08-14. Review status: criteria provided, single submitter. Criteria: Invitae Variant Classification Sherloc (09022015). Collection method: clinical testing. Allele origin: germline.
Comment: This sequence change falls in intron 14 of the MTHFD1 gene. It does not directly change the encoded amino acid sequence of the MTHFD1 protein. This variant is present in population databases (rs776814412, gnomAD 0.02%). This variant has not been reported in the literature in individuals affected with MTHFD1-related conditions. Algorithms developed to predict the effect of sequence changes on RNA splicing suggest that this variant may disrupt the consensus splice site. In summary, the available evidence is currently insufficient to determine the role of this variant in disease. Therefore, it has been classified as a Variant of Uncertain Significance.